The following is an entry in ClinVar:

NM_001205293.3(CACNA1E):c.6523dup (p.Leu2175fs)

Gene: CACNA1E (calcium voltage-gated channel subunit alpha1 E; plus strand). Cytogenetic location: 1q25.3.
Variant type: Duplication.
Coding change: c.6523dup on transcript NM_001205293.3 (MANE Select); coding-DNA position 6523, one base duplicated (C; older notation c.6523dupC).
Protein change: p.Leu2175fs; shifts the reading frame from leucine 2175.
Molecular consequence: frameshift variant.
Genome position (GRCh38, 1-based): chr1:181,798,415, C duplicated; the last of 3 consecutive C bases (chr1:181,798,413-181,798,415); duplicating any one gives the same sequence. VCF-style (leftmost placement, unchanged base first): chr1-181798412-T-TC. GRCh37 (hg19) VCF-style: chr1-181767548-T-TC.
Other names: c.6394dup, p.Leu2132fs (NM_000721.4); c.6337dup, p.Leu2113fs (NM_001205294.2); short protein forms L2113fs, L2132fs, L2175fs.
Identifiers: ClinVar variation 3359491 (VCV003359491.1).

ClinVar aggregate classification (germline): Uncertain significance (1 of 4 stars; one submission).

Submission:

GeneDx
Classification: Uncertain significance. Last evaluated: 2023-06-07. Review status: criteria provided, single submitter. Criteria: GeneDx Variant Classification Process June 2021. Collection method: clinical testing. Allele origin: germline. Affected: yes.
Comment: Frameshift variant predicted to result in protein truncation as the last 139 amino acids are replaced with 12 different amino acids, although loss-of-function variants have not been reported downstream of this position in the protein; Not observed at significant frequency in large population cohorts (gnomAD); Has not been previously published as pathogenic or benign to our knowledge